The following is an entry in ClinVar:

NM_004415.4(DSP):c.1404C>T (p.Asp468=)

Gene: DSP (desmoplakin; plus strand). Cytogenetic location: 6p24.3.
Variant type: single nucleotide variant.
Coding change: c.1404C>T on transcript NM_004415.4 (MANE Select); coding-DNA position 1404, C replaced by T.
Protein change: p.Asp468=; no amino-acid change (aspartic acid 468 retained).
Molecular consequence: synonymous variant.
Genome position (GRCh38, 1-based): chr6:7,568,574, C>T. VCF-style: chr6-7568574-C-T. GRCh37 (hg19) VCF-style: chr6-7568807-C-T.
Other names: c.1404C>T, p.Asp468= (NM_001008844.3, NM_001319034.2, NM_001406591.1).
Identifiers: ClinVar variation 2170589 (VCV002170589.5), dbSNP rs1359278567, ClinGen allele CA448522191.

ClinVar aggregate classification (germline): Benign/Likely benign. Review status: criteria provided, multiple submitters, no conflicts (2 of 4 stars). 2 submissions from 2 submitters: Benign (1); Likely benign (1). Last evaluated 2025-07-22.

Conditions:
Arrhythmogenic cardiomyopathy with wooly hair and keratoderma. Also called: PALMOPLANTAR KERATODERMA WITH LEFT VENTRICULAR CARDIOMYOPATHY AND WOOLLY HAIR; Carvajal syndrome; Dilated cardiomyopathy with woolly hair and keratoderma; Arrhythmogenic cardiomyopathy with woolly hair and keratoderma. Identifiers: Orphanet 65282, MedGen C1854063, MONDO:0011581, OMIM 605676.
Arrhythmogenic right ventricular dysplasia 8 (ARVD8). Also called: Arrhythmogenic Right Ventricular Dysplasia/Cardiomyopathy 8; ARRHYTHMOGENIC RIGHT VENTRICULAR DYSPLASIA, FAMILIAL, 8; ARRHYTHMOGENIC RIGHT VENTRICULAR CARDIOMYOPATHY 8. Identifiers: MedGen C1843896, MONDO:0011831, OMIM 607450.

Allele frequency attached by ClinVar (database versions not stated): gnomAD exomes below 0.00001.
gnomAD v4.1: 1 of 1,613,960 alleles (0.000062%); highest among the groups gnomAD compares: Admixed American, 0.0017%; no homozygotes.

Submissions (2):

Labcorp Genetics (formerly Invitae), Labcorp
Classification: Benign for Arrhythmogenic cardiomyopathy with wooly hair and keratoderma; Arrhythmogenic right ventricular dysplasia 8. Last evaluated: 2025-07-22. Review status: criteria provided, single submitter. Criteria: Invitae Variant Classification Sherloc (09022015). Collection method: clinical testing. Allele origin: germline.

All of Us Research Program, National Institutes of Health
Classification: Likely benign for Arrhythmogenic cardiomyopathy with wooly hair and keratoderma. Last evaluated: 2023-12-13. Review status: criteria provided, single submitter. Criteria: ACMG Guidelines, 2015. Collection method: clinical testing. Allele origin: germline. Inheritance: Autosomal dominant inheritance. Observed: 2 variant alleles, 2 heterozygotes.
Comment: This study involves interpretation of variants in research participants for the purpose of population health screening. Participant phenotype was not available at the time of variant classification. Additional details can be found in publication PMID: 35346344, PMCID: PMC8962531